The following is an entry in ClinVar:

ClinVar aggregate classification (germline): Uncertain significance. Review status: criteria provided, multiple submitters, no conflicts (2 of 4 stars). 2 submissions from 2 submitters: Uncertain significance (2). Last evaluated 2025-07-15.

Conditions:
Inborn genetic diseases. Identifiers: MedGen C0950123, MeSH D030342.

Allele frequency attached by ClinVar (database versions not stated): gnomAD exomes below 0.00001; gnomAD 0.00001; TOPMed 0.00001.
gnomAD v4.1: 2 of 1,613,800 alleles (0.00012%); highest among the groups gnomAD compares: African/African-American, 0.0027%; no homozygotes.

Submissions (2):

Ambry Genetics
Classification: Uncertain significance for Inborn genetic diseases. Last evaluated: 2025-07-15. Review status: criteria provided, single submitter. Criteria: Ambry Variant Classification Scheme 2023. Collection method: clinical testing. Allele origin: germline.

Labcorp Genetics (formerly Invitae), Labcorp
Classification: Uncertain significance. Last evaluated: 2021-03-09. Review status: criteria provided, single submitter. Criteria: Invitae Variant Classification Sherloc (09022015). Collection method: clinical testing. Allele origin: germline.
Comment: This sequence change replaces proline with serine at codon 242 of the CABP4 protein (p.Pro242Ser). The proline residue is moderately conserved and there is a moderate physicochemical difference between proline and serine. This variant is not present in population databases (ExAC no frequency). This variant has not been reported in the literature in individuals with CABP4-related conditions. Algorithms developed to predict the effect of missense changes on protein structure and function (SIFT, PolyPhen-2, Align-GVGD) all suggest that this variant is likely to be tolerated, but these predictions have not been confirmed by published functional studies and their clinical significance is uncertain. In summary, the available evidence is currently insufficient to determine the role of this variant in disease. Therefore, it has been classified as a Variant of Uncertain Significance.

NM_145200.5(CABP4):c.724C>T (p.Pro242Ser)

Gene: CABP4 (calcium binding protein 4; plus strand). Cytogenetic location: 11q13.2.
Variant type: single nucleotide variant.
Coding change: c.724C>T on transcript NM_145200.5 (MANE Select); coding-DNA position 724, C replaced by T.
Protein change: p.Pro242Ser; replaces proline 242 with serine.
Molecular consequence: missense variant. On other transcripts: non-coding transcript variant (1).
Genome position (GRCh38, 1-based): chr11:67,458,443, C>T. VCF-style: chr11-67458443-C-T. GRCh37 (hg19) VCF-style: chr11-67225914-C-T.
Other names: c.409C>T, p.Pro137Ser (NM_001300895.3, NM_001300896.3, NM_001379183.1); short protein forms P242S, P137S.
Identifiers: ClinVar variation 939083 (VCV000939083.10), dbSNP rs1445541750, ClinGen allele CA381533413.
Genomic context (GRCh38, chr11:67,458,443, plus strand): 5'-AGGGATGGACGAATTACGGTGGCGGAGCTGCGGGAGGCGGTACCGGCTCTGCTCGGGGAG[C>T]CGCTGGCGGGTCCTGAGCTGGACGAGATGCTCCGAGAAGTGGACCTCAATGGGGATGGCA-3'
Protein context (NP_660201.1, residues 232-252): REAVPALLGE[Pro242Ser]LAGPELDEML